The following is an entry in ClinVar:

ClinVar aggregate classification (germline): Benign/Likely benign. Review status: criteria provided, multiple submitters, no conflicts (2 of 4 stars). 5 submissions from 5 submitters: Benign (1); Likely benign (4). Last evaluated 2025-02-01.

Conditions:
Cowden syndrome (CS). Also called: Cowden's disease; Cowden's syndrome; Cowden disease. Identifiers: Orphanet 201, MedGen C0018553, MONDO:0016063. Disease mechanism: gain of function.
Cowden syndrome 5 (CWS5). Identifiers: Orphanet 201, MedGen C3554518, MONDO:0014047, OMIM 615108.
Inborn genetic diseases. Identifiers: MedGen C0950123, MeSH D030342.

Allele frequency attached by ClinVar (database versions not stated): gnomAD 0.00002; TOPMed 0.00002; gnomAD exomes 0.00004 and 0.00009; ESP Exome Variant Server 0.00008; ExAC 0.00018.
gnomAD v4.1: 63 of 1,601,978 alleles (0.0039%); highest among the groups gnomAD compares: Non-Finnish European, 0.004%; no homozygotes.

Submissions (5):

KCCC/NGS Laboratory, Kuwait Cancer Control Center
Classification: Benign for Cowden syndrome 5. Last evaluated: 2025-02-01. Review status: criteria provided, single submitter. Criteria: ACMG Guidelines, 2015. Collection method: clinical testing. Allele origin: germline. Affected: no.

Blueprint Genetics
Classification: Likely benign. Last evaluated: 2024-06-06. Review status: criteria provided, single submitter. Criteria: ACMG Guidelines, 2015. Collection method: clinical testing. Allele origin: germline.

Labcorp Genetics (formerly Invitae), Labcorp
Classification: Likely benign for Cowden syndrome. Last evaluated: 2023-12-04. Review status: criteria provided, single submitter. Criteria: Invitae Variant Classification Sherloc (09022015). Collection method: clinical testing. Allele origin: germline.

CeGaT Center for Human Genetics Tuebingen
Classification: Likely benign. Last evaluated: 2023-08-01. Review status: criteria provided, single submitter. Criteria: CeGaT Center For Human Genetics Tuebingen Variant Classification Criteria Version 2. Collection method: clinical testing. Allele origin: germline. Affected: yes. Observed: 1 variant allele.
Comment: PIK3CA: BP4, BP7

Ambry Genetics
Classification: Likely benign for Inborn genetic diseases. Last evaluated: 2022-02-15. Review status: criteria provided, single submitter. Criteria: Ambry Variant Classification Scheme 2023. Collection method: clinical testing. Allele origin: germline.

NM_006218.4(PIK3CA):c.1686C>T (p.Pro562=)

Gene: PIK3CA (phosphatidylinositol-4,5-bisphosphate 3-kinase catalytic subunit alpha; plus strand). Cytogenetic location: 3q26.32.
Variant type: single nucleotide variant.
Coding change: c.1686C>T on transcript NM_006218.4 (MANE Select); coding-DNA position 1686, C replaced by T.
Protein change: p.Pro562=; no amino-acid change (proline 562 retained).
Molecular consequence: synonymous variant.
Genome position (GRCh38, 1-based): chr3:179,219,217, C>T. VCF-style: chr3-179219217-C-T. GRCh37 (hg19) VCF-style: chr3-178937005-C-T.
Other names: c.1686C>T (NM_006218.3, LRG_310t1).
Identifiers: ClinVar variation 456532 (VCV000456532.40), dbSNP rs201815216, ClinGen allele CA2710781.
Genomic context (GRCh38, chr3:179,219,217, plus strand): 5'-TGCAAGAATGTTTATGTTTATTTTGTTTCTCCCACACAGACACTATTGTGTAACTATCCC[C>T]GAAATTCTACCCAAATTGCTTCTGTCTGTTAAATGGAATTCTAGAGATGAAGTAGCCCAG-3'
Protein context (NP_006209.2, residues 552-572): WSHRHYCVTI[Pro562=]EILPKLLLSV